The following is an entry in ClinVar:

ClinVar aggregate classification (germline): Uncertain significance. Review status: criteria provided, multiple submitters, no conflicts (2 of 4 stars). 2 submissions from 2 submitters: Uncertain significance (2). Last evaluated 2026-01-07.

Conditions:
Hereditary cancer-predisposing syndrome. Also called: Tumor predisposition; Neoplastic Syndromes, Hereditary; Hereditary neoplastic syndrome; Hereditary Cancer Syndrome. Identifiers: Orphanet 140162, MedGen C0027672, MeSH D009386, MONDO:0015356.
Cardiovascular phenotype. Identifiers: MedGen CN230736.

Submissions (2):

GeneDx
Classification: Uncertain significance. Last evaluated: 2026-01-07. Review status: criteria provided, single submitter. Criteria: GeneDx Variant Classification Process June 2021. Collection method: clinical testing. Allele origin: germline.
Comment: Not observed at significant frequency in large population cohorts (gnomAD); In silico analysis supports that this missense variant has a deleterious effect on protein structure/function; Has not been previously published as pathogenic or benign to our knowledge; This variant is associated with the following publications: (PMID: 25486365, 2121369, 22807134)

Ambry Genetics
Classification: Uncertain significance for Cardiovascular phenotype; Hereditary cancer-predisposing syndrome. Last evaluated: 2024-07-30. Review status: criteria provided, single submitter. Criteria: Ambry Variant Classification Scheme 2023. Collection method: clinical testing. Allele origin: germline.
Comment: The p.V1146A variant (also known as c.3437T>C), located in coding exon 26 of the NF1 gene, results from a T to C substitution at nucleotide position 3437. The valine at codon 1146 is replaced by alanine, an amino acid with similar properties. This amino acid position is highly conserved in available vertebrate species. In addition, the in silico prediction for this alteration is inconclusive. Based on the available evidence, the clinical significance of this variant remains unclear.

NM_001042492.3(NF1):c.3437T>C (p.Val1146Ala)

Gene: NF1 (neurofibromin 1; plus strand). Cytogenetic location: 17q11.2.
Variant type: single nucleotide variant.
Coding change: c.3437T>C on transcript NM_001042492.3 (MANE Select); coding-DNA position 3437, T replaced by C.
Protein change: p.Val1146Ala; replaces valine 1146 with alanine.
Molecular consequence: missense variant.
Genome position (GRCh38, 1-based): chr17:31,232,822, T>C. VCF-style: chr17-31232822-T-C. GRCh37 (hg19) VCF-style: chr17-29559840-T-C.
Other names: c.3437T>C, p.Val1146Ala (NM_000267.4); short protein forms V1146A.
Identifiers: ClinVar variation 1731423 (VCV001731423.5), dbSNP rs2067137147, ClinGen allele CA398989271.